The following is an entry in ClinVar:

ClinVar aggregate classification (germline): Pathogenic (1 of 4 stars; one submission).

gnomAD v4.1: 1 of 1,614,250 alleles (0.000062%); highest among the groups gnomAD compares: East Asian, 0.0022%; no homozygotes.

Submission:

Labcorp Genetics (formerly Invitae), Labcorp
Classification: Pathogenic. Last evaluated: 2025-05-27. Review status: criteria provided, single submitter. Criteria: Invitae Variant Classification Sherloc (09022015). Collection method: clinical testing. Allele origin: germline.
Comment: This sequence change creates a premature translational stop signal (p.Gln488*) in the HPS4 gene. It is expected to result in an absent or disrupted protein product. Loss-of-function variants in HPS4 are known to be pathogenic (PMID: 12664304). This variant is not present in population databases (gnomAD no frequency). This variant has not been reported in the literature in individuals affected with HPS4-related conditions. For these reasons, this variant has been classified as Pathogenic.

Literature cited by the submitters: PubMed 12664304.

NM_022081.6(HPS4):c.1462C>T (p.Gln488Ter)

Gene: HPS4 (HPS4 biogenesis of lysosomal organelles complex 3 subunit 2; minus strand). Cytogenetic location: 22q12.1.
Variant type: single nucleotide variant.
Coding change: c.1462C>T on transcript NM_022081.6 (MANE Select); coding-DNA position 1462, C replaced by T.
Protein change: p.Gln488Ter; replaces glutamine 488 with a stop codon.
Molecular consequence: nonsense. On other transcripts: non-coding transcript variant (8).
Genome position (GRCh38, 1-based): chr22:26,464,168, G>A on the plus strand (C>T on the coding strand, the complement: HPS4 is on the minus strand). VCF-style: chr22-26464168-G-A. GRCh37 (hg19) VCF-style: chr22-26860134-G-A.
Other names: c.1462C>T, p.Gln488Ter (NM_001349896.1, NM_001349898.2, NM_001349899.2 and 5 more transcripts); c.1516C>T, p.Gln506Ter (NM_001349900.2, NM_001349901.1); c.1447C>T, p.Gln483Ter (NM_152841.2); short protein forms Q483*, Q488*, Q506*.
Identifiers: ClinVar variation 4808129 (VCV004808129.1).
Genomic context (GRCh38, chr22:26,464,168, plus strand): 5'-ATTCCAGACCAGGGGCTGCGTGGCTTTCACAGACCCCATCAACATCCTCATCCAGGCCTT[G>A]TTCCCCCGTGGGAAGCTTGTTTCCTCTCTGTCCTGGATCTAAGCGAGGCAATAACAAGGG-3'